The following is an entry in ClinVar:

NM_004369.4(COL6A3):c.6156+4C>T

Gene: COL6A3 (collagen type VI alpha 3 chain; minus strand). Cytogenetic location: 2q37.3.
Variant type: single nucleotide variant.
Coding change: c.6156+4C>T on transcript NM_004369.4 (MANE Select); 4 bases into the intron after coding-DNA position 6156, C replaced by T.
Molecular consequence: intron variant.
Genome position (GRCh38, 1-based): chr2:237,361,735, G>A on the plus strand (C>T on the coding strand, the complement: COL6A3 is on the minus strand). VCF-style: chr2-237361735-G-A. GRCh37 (hg19) VCF-style: chr2-238270378-G-A.
Other names: p.?; c.4335+4C>T (NM_057166.5); c.5538+4C>T (NM_057167.4).
Identifiers: ClinVar variation 94952 (VCV000094952.56), dbSNP rs111228504, ClinGen allele CA147988.

ClinVar aggregate classification (germline): Benign. Review status: criteria provided, multiple submitters, no conflicts (2 of 4 stars). 10 submissions from 10 submitters: Benign (9). 1 of the submissions does not count toward it. Last evaluated 2026-09-01.

Conditions:
Collagen 6-related myopathy. Identifiers: MedGen CN117976, MONDO:0100225.
Bethlem myopathy 1A. Also called: Bethlem Muscular Dystrophy; MYOPATHY, BENIGN CONGENITAL, WITH CONTRACTURES; Bethlem myopathy 1. Identifiers: Orphanet 610, MedGen CN029274, MONDO:0024530, OMIM 158810.

Allele frequency attached by ClinVar (database versions not stated): gnomAD exomes 0.01143; ExAC 0.01196; 1000 Genomes Project 0.00579; 1000 Genomes Project 30x 0.00625; gnomAD 0.00884 and 0.00897; TOPMed 0.00925; ESP Exome Variant Server 0.00969.
gnomAD v4.1: 18,434 of 1,613,656 alleles (1.1%); highest among the groups gnomAD compares: Middle Eastern, 1.7%; 131 homozygotes.

Submissions (10):

CeGaT Center for Human Genetics Tuebingen
Classification: Benign. Last evaluated: 2026-09-01. Review status: criteria provided, single submitter. Criteria: CeGaT Center For Human Genetics Tuebingen Variant Classification Criteria Version 2. Collection method: clinical testing. Allele origin: germline. Affected: yes. Observed: 70 variant alleles.
Comment: COL6A3: BP4, BS1, BS2

Labcorp Genetics (formerly Invitae), Labcorp
Classification: Benign for Bethlem myopathy 1A. Last evaluated: 2026-02-02. Review status: criteria provided, single submitter. Criteria: Invitae Variant Classification Sherloc (09022015). Collection method: clinical testing. Allele origin: germline.

Mayo Clinic Laboratories, Mayo Clinic
Classification: Benign. Last evaluated: 2021-12-27. Review status: criteria provided, single submitter. Criteria: ACMG Guidelines, 2015. Collection method: clinical testing. Allele origin: germline. Observed: 17 variant alleles.

Mendelics
Classification: Benign for Bethlem myopathy 1A. Last evaluated: 2019-05-28. Review status: criteria provided, single submitter. Criteria: Mendelics Assertion Criteria 2017. Collection method: clinical testing. Allele origin: unknown.

Illumina Laboratory Services, Illumina
Classification: Benign for Collagen VI-related myopathy. Last evaluated: 2018-01-13. Review status: criteria provided, single submitter. Criteria: ICSL Variant Classification Criteria 13 December 2019. Collection method: clinical testing. Allele origin: germline.
Comment: This variant was observed in the ICSL laboratory as part of a predisposition screen in an ostensibly healthy population. It had not been previously curated by ICSL or reported in the Human Gene Mutation Database (HGMD: prior to June 1st, 2018), and was therefore a candidate for classification through an automated scoring system. Utilizing variant allele frequency, disease prevalence and penetrance estimates, and inheritance mode, an automated score was calculated to assess if this variant is too frequent to cause the disease. Based on the score and internal cut-off values, a variant classified as benign is not then subjected to further curation. The score for this variant resulted in a classification of benign for this disease.

GeneDx
Classification: Benign. Last evaluated: 2016-01-15. Review status: criteria provided, single submitter. Criteria: GeneDx Variant Classification (06012015). Collection method: clinical testing. Allele origin: germline. Affected: yes.
Comment: This variant is considered likely benign or benign based on one or more of the following criteria: it is a conservative change, it occurs at a poorly conserved position in the protein, it is predicted to be benign by multiple in silico algorithms, and/or has population frequency not consistent with disease.

Eurofins Ntd Llc (ga)
Classification: Benign. Last evaluated: 2012-07-13. Review status: criteria provided, single submitter. Criteria: EGL Classification Definitions 2015. Collection method: clinical testing. Allele origin: germline. Observed: 7 variant alleles, 7 heterozygotes.

Breakthrough Genomics
Classification: Benign. Review status: criteria provided, single submitter. Criteria: ACMG Guidelines, 2015. Collection method: not provided. Allele origin: germline. Inheritance: Autosomal recessive inheritance. Affected: yes.

PreventionGenetics, part of Exact Sciences
Classification: Benign. Review status: criteria provided, single submitter. Criteria: ACMG Guidelines, 2015. Collection method: clinical testing. Allele origin: germline.

Genetic Services Laboratory, University of Chicago
Classification: Likely benign for AllHighlyPenetrant. Review status: no assertion criteria provided. Collection method: clinical testing. Allele origin: germline. Not counted in ClinVar's aggregate classification.
Comment: Likely benign based on allele frequency in 1000 Genomes Project or ESP global frequency and its presence in a patient with a rare or unrelated disease phenotype. NOT Sanger confirmed.